The following is an entry in ClinVar:

NM_199242.3(UNC13D):c.2447+144C>T

Gene: UNC13D (unc-13 homolog D; minus strand). Cytogenetic location: 17q25.1.
Variant type: single nucleotide variant.
Coding change: c.2447+144C>T on transcript NM_199242.3 (MANE Select); 144 bases into the intron after coding-DNA position 2447, C replaced by T.
Molecular consequence: intron variant.
Genome position (GRCh38, 1-based): chr17:75,832,822, G>A on the plus strand (C>T on the coding strand, the complement: UNC13D is on the minus strand). VCF-style: chr17-75832822-G-A. GRCh37 (hg19) VCF-style: chr17-73828903-G-A.
Identifiers: ClinVar variation 2628254 (VCV002628254.2), dbSNP rs112267124, ClinGen allele CA8772529.
Genomic context (GRCh38, chr17:75,832,822, plus strand): 5'-CACCAAAGGGATTCACCTCCACCCCTCAGAACGGATGCTGAGGCCCAGGAAAGAGGGGCC[G>A]TGGGAGGAGAGGGGGAGGTGGCGAGCGCGCCCAGGGCAGGGGCTGCTACACCCCTCAGAA-3'

ClinVar aggregate classification (germline): Benign (1 of 4 stars; one submission).

Allele frequency attached by ClinVar (database versions not stated): 1000 Genomes Project 0.16114; 1000 Genomes Project 30x 0.16287; gnomAD exomes 0.17874; gnomAD 0.19299; TOPMed 0.19393; ExAC 0.27466.
gnomAD v4.1: 125,422 of 687,318 alleles (18%); highest among the groups gnomAD compares: Non-Finnish European, 20%; 14,068 homozygotes.

Submission:

Unidad de Genómica Garrahan, Hospital de Pediatría Garrahan
Classification: Benign. Last evaluated: 2023-11-12. Review status: criteria provided, single submitter. Criteria: ACMG Guidelines, 2015. Collection method: clinical testing. Allele origin: germline. Affected: no. Observed: 25 variant alleles.
Comment: This variant is classified as Benign based on local population frequency. This variant was detected in 26% of patients studied by a panel of primary immunodeficiencies. Number of patients: 25. Only high quality variants are reported.